The following is an entry in ClinVar:

NM_058174.3(COL6A2):c.2656G>A (p.Gly886Arg)

Gene: COL6A2 (collagen type VI alpha 2 chain; plus strand). Cytogenetic location: 21q22.3.
Variant type: single nucleotide variant.
Coding change: c.2656G>A on transcript NM_058174.3 (MANE Plus Clinical); coding-DNA position 2656, G replaced by A.
Protein change: p.Gly886Arg; replaces glycine 886 with arginine.
Molecular consequence: missense variant. On other transcripts: 3 prime UTR variant (1), intron variant (1).
Genome position (GRCh38, 1-based): chr21:46,129,390, G>A. VCF-style: chr21-46129390-G-A. GRCh37 (hg19) VCF-style: chr21-47549304-G-A.
Other names: c.*462G>A (NM_058175.3); c.2462-2564G>A (NM_001849.4); short protein forms G886R.
Identifiers: ClinVar variation 3353101 (VCV003353101.1).

ClinVar aggregate classification (germline): Likely benign (0 of 4 stars; one submission).

Conditions:
COL6A2-related disorder.

gnomAD v4.1: 289 of 1,612,978 alleles (0.018%); highest among the groups gnomAD compares: South Asian, 0.28%; no homozygotes.

Submission:

PreventionGenetics, part of Exact Sciences
Classification: Likely benign for COL6A2-related condition. Last evaluated: 2024-07-31. Review status: no assertion criteria provided. Collection method: clinical testing. Allele origin: germline.
Comment: This variant is classified as likely benign based on ACMG/AMP sequence variant interpretation guidelines (Richards et al. 2015 PMID: 25741868, with internal and published modifications).